The following is an entry in ClinVar:

ClinVar aggregate classification (germline): Uncertain significance. Review status: criteria provided, single submitter (1 of 4 stars). 2 submissions from 2 submitters: Uncertain significance (1). 1 of the submissions does not count toward it. Last evaluated 2026-04-14.

Conditions:
TMEM216-related disorder. Also called: TMEM216-related condition; TMEM216-related disorders.

Allele frequency attached by ClinVar (database versions not stated): gnomAD exomes 0.00011; TOPMed 0.00005; gnomAD 0.00006.
gnomAD v4.1: 150 of 1,515,628 alleles (0.0099%); highest among the groups gnomAD compares: Non-Finnish European, 0.013%; no homozygotes.

Submissions (2):

GeneDx
Classification: Uncertain significance. Last evaluated: 2026-04-14. Review status: criteria provided, single submitter. Criteria: GeneDx Variant Classification Process June 2021. Collection method: clinical testing. Allele origin: germline.
Comment: Nucleotide is not conserved across species and the substitution has no predicted effect on splicing; Has not been previously published as pathogenic or benign to our knowledge; Located in a regulatory region; in the absence of functional studies, the actual effect of this sequence change is unknown

PreventionGenetics, part of Exact Sciences
Classification: Likely benign for TMEM216-related condition. Last evaluated: 2023-05-26. Review status: no assertion criteria provided. Collection method: clinical testing. Allele origin: germline. Not counted in ClinVar's aggregate classification.
Comment: This variant is classified as likely benign based on ACMG/AMP sequence variant interpretation guidelines (Richards et al. 2015 PMID: 25741868, with internal and published modifications).

NM_001173990.3(TMEM216):c.-6C>T

Gene: TMEM216 (transmembrane protein 216; plus strand). Cytogenetic location: 11q12.2.
Variant type: single nucleotide variant.
Coding change: c.-6C>T on transcript NM_001173990.3 (MANE Select); 6 bases upstream of the start codon, C replaced by T.
Molecular consequence: 5 prime UTR variant.
Genome position (GRCh38, 1-based): chr11:61,392,626, C>T. VCF-style: chr11-61392626-C-T. GRCh37 (hg19) VCF-style: chr11-61160098-C-T.
Other names: c.-6C>T (NM_001173991.3); c.-203C>T (NM_001330285.2, NM_016499.6).
Identifiers: ClinVar variation 3030484 (VCV003030484.3), dbSNP rs1038137806, ClinGen allele CA222894419.
Genomic context (GRCh38, chr11:61,392,626, plus strand): 5'-AACCCAGGCCGCTTCGTCCCTGTTTCCGGCAGCGCCGCGCTGCTCCGGGAGCCGCTGTGG[C>T]AGCGTATGCTGCCACGGGGACTGAAGATGGCGCCGCGAGGTGAGATTCCGGAGGTGTGTG-3'